The following is an entry in ClinVar:

NM_175914.5(HNF4A):c.685_686insCCCTCGGCACTGCCCACATTG (p.Ile228_Val229insAlaLeuGlyThrAlaHisIle)

Gene: HNF4A (hepatocyte nuclear factor 4 alpha; plus strand). Cytogenetic location: 20q13.12.
Variant type: Insertion.
Coding change: c.685_686insCCCTCGGCACTGCCCACATTG on transcript NM_175914.5 (MANE Select); coding-DNA positions 685 to 686, CCCTCGGCACTGCCCACATTG inserted.
Protein change: p.Ile228_Val229insAlaLeuGlyThrAlaHisIle.
Molecular consequence: inframe insertion.
Genome position: GRCh38 VCF-style: chr20-44419729-T-TACATTGCCCTCGGCACTGCCC. GRCh37 (hg19) VCF-style: chr20-43048369-T-TACATTGCCCTCGGCACTGCCC.
Other names: c.751_752insCCCTCGGCACTGCCCACATTG, p.Ile250_Val251insAlaLeuGlyThrAlaHisIle (NM_000457.6, NM_178849.3, NM_178850.3); c.685_686insCCCTCGGCACTGCCCACATTG, p.Ile228_Val229insAlaLeuGlyThrAlaHisIle (NM_001030003.3, NM_001030004.3); c.730_731insCCCTCGGCACTGCCCACATTG, p.Ile243_Val244insAlaLeuGlyThrAlaHisIle (NM_001258355.2); c.676_677insCCCTCGGCACTGCCCACATTG, p.Ile225_Val226insAlaLeuGlyThrAlaHisIle (NM_001287182.2, NM_001287183.2, NM_001287184.2).
Identifiers: ClinVar variation 2581500 (VCV002581500.1), dbSNP rs2515698346, ClinGen allele CA2582342725.

ClinVar aggregate classification (germline): Uncertain significance (1 of 4 stars; one submission).

Submission:

Women's Health and Genetics/Laboratory Corporation of America, LabCorp
Classification: Uncertain significance. Last evaluated: 2023-08-04. Review status: criteria provided, single submitter. Criteria: LabCorp Variant Classification Summary - May 2015. Collection method: clinical testing. Allele origin: germline.
Comment: Variant summary: HNF4A c.685_686ins21 (p.Ile228_Val229insAlaLeuGlyThrAlaHisIle) results in an in-frame insertion that is predicted to insert 7 amino acids into the Nuclear hormone receptor, ligand-binding domain (IPR000536) of the encoded protein. The variant was absent in 251194 control chromosomes (gnomAD). The available data on variant occurrences in the general population are insufficient to allow any conclusion about variant significance. To our knowledge, no occurrence of c.685_686ins21 in individuals affected with Maturity Onset Diabetes Of The Young 1/Neonatal Diabetes Mellitus and no experimental evidence demonstrating its impact on protein function have been reported. No submitters have cited clinical-significance assessments for this variant to ClinVar after 2014. Based on the evidence outlined above, the variant was classified as uncertain significance.